The following is an entry in ClinVar:

NM_021101.5(CLDN1):c.242G>A (p.Arg81His)

Genes: CLDN1 (claudin 1; minus strand), CLDN16 (claudin 16; plus strand). Cytogenetic location: 3q28.
Variant type: single nucleotide variant.
Coding change: c.242G>A on transcript NM_021101.5 (MANE Select); coding-DNA position 242, G replaced by A.
Protein change: p.Arg81His; replaces arginine 81 with histidine.
Molecular consequence: missense variant.
Genome position (GRCh38, 1-based): chr3:190,313,018, C>T on the plus strand (G>A on the coding strand, the complement: CLDN1 is on the minus strand). VCF-style: chr3-190313018-C-T. GRCh37 (hg19) VCF-style: chr3-190030807-C-T.
Other names: c.242G>A (NM_021101.4); short protein forms R81H.
Identifiers: ClinVar variation 502531 (VCV000502531.7), dbSNP rs200968478, ClinGen allele CA2753592.
Genomic context (GRCh38, chr3:190,313,018, plus strand): 5'-CCAACGGTGGCCACAAAGATTGCTATCACTCCCAGGAGGATGCCAACCACCATCAAGGCA[C>T]GGGTTGCTTGCAATGTGCCTGGCAGAAAACATTTTAAAACATGTAAAAATATGCTTGGAC-3'
Protein context (NP_066924.1, residues 71-91): LNLSSTLQAT[Arg81His]ALMVVGILLG

ClinVar aggregate classification (germline): Conflicting classifications of pathogenicity. Review status: criteria provided, conflicting classifications (1 of 4 stars). 3 submissions from 3 submitters: Likely pathogenic (1); Uncertain significance (1). 1 of the submissions does not count toward it. Last evaluated 2026-01-28.

Conditions:
CLDN1-related disorder. Also called: CLDN1-related condition.
Neonatal ichthyosis-sclerosing cholangitis syndrome (ILVASC). Also called: ICHTHYOSIS-SCLEROSING CHOLANGITIS SYNDROME; NISCH SYNDROME. Identifiers: Orphanet 59303, MedGen C1843355, MONDO:0011874, OMIM 607626.

Allele frequency attached by ClinVar (database versions not stated): gnomAD 0.00002 and 0.00003; gnomAD exomes 0.00002 and 0.00004; TOPMed 0.00002; ExAC 0.00006; 1000 Genomes Project 30x 0.00016; 1000 Genomes Project 0.00020.
gnomAD v4.1: 41 of 1,614,118 alleles (0.0025%); highest among the groups gnomAD compares: Admixed American, 0.013%; no homozygotes.

Submissions (3):

PreventionGenetics, part of Exact Sciences
Classification: Likely pathogenic for CLDN1-related condition. Last evaluated: 2026-01-28. Review status: criteria provided, single submitter. Criteria: ACMG Guidelines, 2015. Collection method: clinical testing. Allele origin: germline.
Comment: The CLDN1 c.242G>A variant is predicted to result in the amino acid substitution p.Arg81His. This variant was reported in the homozygous state in seven individuals from four consanguineous families with ichthyosis, leukocyte vacuoles, alopecia, and sclerosing cholangitis, and in vitro functional studies demonstrated decreased gene expression and abnormal protein localization in transfected keratinocytes (ILVASC; Mohamad et al. 2022. PubMed ID: 35920354; Eskin-Schwartz et al. 2023. PubMed ID: 37814412). This variant is reported in 0.017% of alleles in individuals of Latino descent in gnomAD. This variant is interpreted as likely pathogenic.

Eurofins Ntd Llc (ga)
Classification: Uncertain significance. Last evaluated: 2018-01-30. Review status: criteria provided, single submitter. Criteria: EGL Classification Definitions 2015. Collection method: clinical testing. Allele origin: germline. Observed: 2 variant alleles, 1 heterozygote, 1 homozygote.

OMIM
Classification: Pathogenic for ICHTHYOSIS, LEUKOCYTE VACUOLES, ALOPECIA, AND SCLEROSING CHOLANGITIS. Last evaluated: 2025-01-21. Review status: no assertion criteria provided. Collection method: literature only. Allele origin: germline. Not counted in ClinVar's aggregate classification.

Literature cited by the submitters: PubMed 35920354 (cited by OMIM); PubMed 37814412 (cited by OMIM).